The following is an entry in ClinVar:

ClinVar aggregate classification (germline): Likely benign. Review status: criteria provided, multiple submitters, no conflicts (2 of 4 stars). 4 submissions from 4 submitters: Likely benign (4). Last evaluated 2025-10-21.

Conditions:
Familial thoracic aortic aneurysm and aortic dissection (TAAD). Also called: Thoracic aortic aneurysms and dissections. Identifiers: Orphanet 91387, MedGen C4707243, MONDO:0019625.
Marfan syndrome (MFS). Also called: Marfan syndrome, classic; Marfan syndrome type 1; Marfan's syndrome; FBN1-Related Marfan Syndrome; MARFAN SYNDROME, TYPE I. Identifiers: Orphanet 284963, Orphanet 558, MedGen C0024796, MONDO:0007947, OMIM 154700.

Submissions (4):

Labcorp Genetics (formerly Invitae), Labcorp
Classification: Likely benign for Marfan syndrome; Familial thoracic aortic aneurysm and aortic dissection. Last evaluated: 2025-10-21. Review status: criteria provided, single submitter. Criteria: Invitae Variant Classification Sherloc (09022015). Collection method: clinical testing. Allele origin: germline.

Women's Health and Genetics/Laboratory Corporation of America, LabCorp
Classification: Likely benign. Last evaluated: 2024-12-19. Review status: criteria provided, single submitter. Criteria: LabCorp Variant Classification Summary - May 2015. Collection method: clinical testing. Allele origin: germline.
Comment: Variant summary: FBN1 c.737-19_737-16delGTCT alters a nucleotide located at a position not widely known to affect splicing. Consensus agreement among computation tools predict no significant impact on normal splicing. However, these predictions have yet to be confirmed by functional studies. The variant allele was found at a frequency of 2.1e-05 in 237036 control chromosomes. The available data on variant occurrences in the general population are insufficient to allow any conclusion about variant significance. To our knowledge, no occurrence of c.737-19_737-16delGTCT in individuals affected with Marfan Syndrome and no experimental evidence demonstrating its impact on protein function have been reported. ClinVar contains an entry for this variant (Variation ID: 921424). Based on the evidence outlined above, the variant was classified as likely benign.

All of Us Research Program, National Institutes of Health
Classification: Likely benign for Marfan syndrome. Last evaluated: 2023-06-28. Review status: criteria provided, single submitter. Criteria: ACMG Guidelines, 2015. Collection method: clinical testing. Allele origin: germline. Inheritance: Autosomal dominant inheritance. Observed: 2 variant alleles, 2 heterozygotes.
Comment: This study involves interpretation of variants in research participants for the purpose of population health screening. Participant phenotype was not available at the time of variant classification. Additional details can be found in publication PMID: 35346344, PMCID: PMC8962531

Color Diagnostics, LLC DBA Color Health
Classification: Likely benign for Familial thoracic aortic aneurysm and aortic dissection. Last evaluated: 2019-04-15. Review status: criteria provided, single submitter. Criteria: ACMG Guidelines, 2015. Collection method: clinical testing. Allele origin: germline.

NM_000138.5(FBN1):c.737-19_737-16del

Gene: FBN1 (fibrillin 1; minus strand). Cytogenetic location: 15q21.1.
Variant type: Deletion.
Coding change: c.737-19_737-16del on transcript NM_000138.5 (MANE Select); 19 bases into the intron before coding-DNA position 737 through 16 bases into the intron before coding-DNA position 737, 4 bases deleted (GTCT; older notation c.737-19_737-16delGTCT).
Molecular consequence: intron variant.
Genome position (GRCh38, 1-based): chr15:48,534,221-48,534,224, AGAC deleted on the plus strand (GTCT on the coding strand, the reverse complement: FBN1 is on the minus strand); deleting any 4 consecutive bases within chr15:48,534,221-48,534,227 gives the same sequence; the c. name uses the placement nearest the transcript's 3' end. VCF-style (leftmost placement, unchanged base first): chr15-48534220-AAGAC-A. GRCh37 (hg19) VCF-style: chr15-48826417-AAGAC-A.
Other names: c.737-19_737-16delGTCT (NM_000138.4, NM_000138.5).
Identifiers: ClinVar variation 921424 (VCV000921424.8), dbSNP rs748812494, ClinGen allele CA058385.
Genomic context (GRCh38, chr15:48,534,220, plus strand): 5'-TTTCCTCCCTGACAGAGCCCGGGGATGGCCTGGCATTCATCCACATCTGTCAGATTACAG[AAGAC>A]AGAGAGAAAAAAAAAAAACTCATATGAAATTCATTGCAGAATAAAATGTGATAATTTGTC-3'